The following is an entry in ClinVar:

ClinVar aggregate classification (germline): Benign. Review status: criteria provided, multiple submitters, no conflicts (2 of 4 stars). 4 submissions from 3 submitters: Benign (4). Last evaluated 2021-08-19.

Conditions:
Merosin deficient congenital muscular dystrophy (MDC1A). Also called: Congenital merosin-deficient muscular dystrophy 1A; Congenital Muscular Dystrophy Type 1A (MDC1A). Identifiers: Orphanet 258, MedGen C1263858, MONDO:0011925, OMIM 607855.
Muscular dystrophy, limb-girdle, autosomal recessive 23. Identifiers: Orphanet 565837, MedGen C4748327, MONDO:0029136, OMIM 618138.

Allele frequency attached by ClinVar (database versions not stated): ESP Exome Variant Server 0.21636; gnomAD 0.50074; TOPMed 0.50896; 1000 Genomes Project 0.53994; 1000 Genomes Project 30x 0.54029.
gnomAD v4.1: 743,041 of 1,594,536 alleles (47%); highest among the groups gnomAD compares: African/African-American, 62%; 176,592 homozygotes.

Submissions (4):

Genome-Nilou Lab
Classification: Benign for Merosin deficient congenital muscular dystrophy. Last evaluated: 2021-08-19. Review status: criteria provided, single submitter. Criteria: ACMG Guidelines, 2015. Collection method: clinical testing. Allele origin: germline. Affected: no.

Genome-Nilou Lab
Classification: Benign for Muscular dystrophy, limb-girdle, autosomal recessive 23. Last evaluated: 2021-08-19. Review status: criteria provided, single submitter. Criteria: ACMG Guidelines, 2015. Collection method: clinical testing. Allele origin: germline. Affected: no.

GeneDx
Classification: Benign. Last evaluated: 2018-06-18. Review status: criteria provided, single submitter. Criteria: GeneDx Variant Classification (06012015). Collection method: clinical testing. Allele origin: germline. Affected: yes.
Comment: This variant is considered likely benign or benign based on one or more of the following criteria: it is a conservative change, it occurs at a poorly conserved position in the protein, it is predicted to be benign by multiple in silico algorithms, and/or has population frequency not consistent with disease.

PreventionGenetics, part of Exact Sciences
Classification: Benign. Review status: criteria provided, single submitter. Criteria: ACMG Guidelines, 2015. Collection method: clinical testing. Allele origin: germline.

NM_000426.4(LAMA2):c.5727-24T>A

Gene: LAMA2 (laminin subunit alpha 2; plus strand). Cytogenetic location: 6q22.33.
Variant type: single nucleotide variant.
Coding change: c.5727-24T>A on transcript NM_000426.4 (MANE Select); 24 bases into the intron before coding-DNA position 5727, T replaced by A.
Molecular consequence: intron variant.
Genome position (GRCh38, 1-based): chr6:129,403,797, T>A. VCF-style: chr6-129403797-T-A. GRCh37 (hg19) VCF-style: chr6-129724942-T-A.
Other names: c.5727-24T>A (NM_001079823.2).
Identifiers: ClinVar variation 256076 (VCV000256076.4), dbSNP rs3828735, ClinGen allele CA3993968.